The following is an entry in ClinVar:

NM_022051.3(EGLN1):c.1026A>G (p.Ile342Met)

Gene: EGLN1 (egl-9 family hypoxia inducible factor 1; minus strand). Cytogenetic location: 1q42.2.
Variant type: single nucleotide variant.
Coding change: c.1026A>G on transcript NM_022051.3 (MANE Select); coding-DNA position 1026, A replaced by G.
Protein change: p.Ile342Met; replaces isoleucine 342 with methionine.
Molecular consequence: missense variant. On other transcripts: intron variant (1).
Genome position (GRCh38, 1-based): chr1:231,370,684, T>C on the plus strand (A>G on the coding strand, the complement: EGLN1 is on the minus strand). VCF-style: chr1-231370684-T-C. GRCh37 (hg19) VCF-style: chr1-231506430-T-C.
Other names: c.1026A>G, p.Ile342Met (NM_001377260.1); c.1012-3048A>G (NM_001377261.1); short protein forms I342M.
Identifiers: ClinVar variation 1385249 (VCV001385249.8), dbSNP rs1156457644, ClinGen allele CA345240611.

ClinVar aggregate classification (germline): Uncertain significance. Review status: criteria provided, multiple submitters, no conflicts (2 of 4 stars). 2 submissions from 2 submitters: Uncertain significance (2). Last evaluated 2025-08-21.

Conditions:
Erythrocytosis, familial, 3 (ECYT3). Identifiers: Orphanet 247511, MedGen C1853286, MONDO:0012353, OMIM 609820.

Allele frequency attached by ClinVar (database versions not stated): gnomAD exomes below 0.00001.
gnomAD v4.1: 1 of 1,614,144 alleles (0.000062%); no homozygotes.

Submissions (2):

Labcorp Genetics (formerly Invitae), Labcorp
Classification: Uncertain significance for Erythrocytosis, familial, 3. Last evaluated: 2025-08-21. Review status: criteria provided, single submitter. Criteria: Invitae Variant Classification Sherloc (09022015). Collection method: clinical testing. Allele origin: germline.
Comment: This sequence change replaces isoleucine, which is neutral and non-polar, with methionine, which is neutral and non-polar, at codon 342 of the EGLN1 protein (p.Ile342Met). This variant is present in population databases (no rsID available, gnomAD no frequency). This variant has not been reported in the literature in individuals affected with EGLN1-related conditions. ClinVar contains an entry for this variant (Variation ID: 1385249). An algorithm developed to predict the effect of missense changes on protein structure and function (PolyPhen-2) suggests that this variant is likely to be tolerated. In summary, the available evidence is currently insufficient to determine the role of this variant in disease. Therefore, it has been classified as a Variant of Uncertain Significance.

Ambry Genetics
Classification: Uncertain significance. Last evaluated: 2023-12-14. Review status: criteria provided, single submitter. Criteria: Ambry Variant Classification Scheme 2023. Collection method: clinical testing. Allele origin: germline.
Comment: The p.I342M variant (also known as c.1026A>G), located in coding exon 3 of the EGLN1 gene, results from an A to G substitution at nucleotide position 1026. The isoleucine at codon 342 is replaced by methionine, an amino acid with highly similar properties. This amino acid position is not well conserved in available vertebrate species. In addition, this alteration is predicted to be tolerated by in silico analysis. Since supporting evidence is limited at this time, the clinical significance of this alteration remains unclear.